The following is an entry in ClinVar:

ClinVar aggregate classification (germline): Uncertain significance (1 of 4 stars; one submission).

Conditions:
Cardiovascular phenotype. Identifiers: MedGen CN230736.

Submission:

Ambry Genetics
Classification: Uncertain significance for Cardiovascular phenotype. Last evaluated: 2025-12-26. Review status: criteria provided, single submitter. Criteria: Ambry Variant Classification Scheme 2023. Collection method: clinical testing. Allele origin: germline.
Comment: The p.R3176M variant (also known as c.9527G>T), located in coding exon 2 of the ZNF469 gene, results from a G to T substitution at nucleotide position 9527. The arginine at codon 3176 is replaced by methionine, an amino acid with similar properties. This amino acid position is conserved. In addition, this alteration is predicted to be tolerated by in silico analysis. Based on the available evidence, the clinical significance of this variant remains unclear.

NM_001127464.1:c.9527G>T

Gene: ZNF469 (zinc finger protein 469; plus strand).
Variant type: single nucleotide variant.
Identifiers: ClinVar variation 4842240 (VCV004842240.1).